The following is an entry in ClinVar:

NM_017934.7(PHIP):c.2552A>T (p.Asp851Val)

Gene: PHIP (PHIP subunit of CUL4-Ring ligase complex; minus strand). Cytogenetic location: 6q14.1.
Variant type: single nucleotide variant.
Coding change: c.2552A>T on transcript NM_017934.7 (MANE Select); coding-DNA position 2552, A replaced by T.
Protein change: p.Asp851Val; replaces aspartic acid 851 with valine.
Molecular consequence: missense variant.
Genome position (GRCh38, 1-based): chr6:78,983,103, T>A on the plus strand (A>T on the coding strand, the complement: PHIP is on the minus strand). VCF-style: chr6-78983103-T-A. GRCh37 (hg19) VCF-style: chr6-79692820-T-A.
Other names: short protein forms D851V.
Identifiers: ClinVar variation 4991086 (VCV004991086.1).

ClinVar aggregate classification (germline): Uncertain significance (1 of 4 stars; one submission).

Conditions:
PHIP-related disorder. Also called: PHIP-related condition; PHIP-related disorders.

Submission:

PreventionGenetics, part of Exact Sciences
Classification: Uncertain significance for PHIP-related condition. Last evaluated: 2026-01-02. Review status: criteria provided, single submitter. Criteria: ACMG Guidelines, 2015. Collection method: clinical testing. Allele origin: germline.
Comment: The PHIP c.2552A>T variant is predicted to result in the amino acid substitution p.Asp851Val. To our knowledge, this variant has not been reported in the literature or in a large population database (gnomAD), indicating this variant is rare. At this time, the clinical significance of this variant is uncertain due to the absence of conclusive functional and genetic evidence.